The following is an entry in ClinVar:

ClinVar aggregate classification (germline): Uncertain significance (1 of 4 stars; one submission).

Conditions:
Nemaline myopathy 6 (NEM6). Also called: Nemaline myopathy 6, autosomal dominant. Identifiers: Orphanet 171439, MedGen C1836472, MONDO:0012237, OMIM 609273.

Submission:

Labcorp Genetics (formerly Invitae), Labcorp
Classification: Uncertain significance for Nemaline myopathy 6. Last evaluated: 2025-10-08. Review status: criteria provided, single submitter. Criteria: Invitae Variant Classification Sherloc (09022015). Collection method: clinical testing. Allele origin: germline.
Comment: This sequence change creates a premature translational stop signal (p.Ala112Glyfs*32) in the KBTBD13 gene. While this is not anticipated to result in nonsense mediated decay, it is expected to disrupt the last 347 amino acid(s) of the KBTBD13 protein. This variant is not present in population databases (gnomAD no frequency). This variant has not been reported in the literature in individuals affected with KBTBD13-related conditions. Experimental studies and prediction algorithms are not available or were not evaluated, and the functional significance of this variant is currently unknown. In summary, the available evidence is currently insufficient to determine the role of this variant in disease. Therefore, it has been classified as a Variant of Uncertain Significance.

NM_001101362.3(KBTBD13):c.335_336del (p.Ala112fs)

Gene: KBTBD13 (kelch repeat and BTB domain containing 13; plus strand). Cytogenetic location: 15q22.31.
Variant type: Microsatellite.
Coding change: c.335_336del on transcript NM_001101362.3 (MANE Select); coding-DNA positions 335 to 336, 2 bases deleted (CG; older notation c.335_336delCG).
Protein change: p.Ala112fs; shifts the reading frame from alanine 112.
Molecular consequence: frameshift variant.
Genome position (GRCh38, 1-based): chr15:65,077,150-65,077,151, CG deleted; deleting any 2 consecutive bases within chr15:65,077,148-65,077,151 gives the same sequence; the c. name uses the placement nearest the transcript's 3' end. VCF-style (leftmost placement, unchanged base first): chr15-65077147-ACG-A. GRCh37 (hg19) VCF-style: chr15-65369485-ACG-A.
Other names: short protein forms A112fs.
Identifiers: ClinVar variation 4693486 (VCV004693486.1).